The following is an entry in ClinVar:

NM_006231.4(POLE):c.233T>C (p.Leu78Ser)

Gene: POLE (DNA polymerase epsilon, catalytic subunit; minus strand). Cytogenetic location: 12q24.33.
Variant type: single nucleotide variant.
Coding change: c.233T>C on transcript NM_006231.4 (MANE Select); coding-DNA position 233, T replaced by C.
Protein change: p.Leu78Ser; replaces leucine 78 with serine.
Molecular consequence: missense variant.
Genome position (GRCh38, 1-based): chr12:132,680,659, A>G on the plus strand (T>C on the coding strand, the complement: POLE is on the minus strand). VCF-style: chr12-132680659-A-G. GRCh37 (hg19) VCF-style: chr12-133257245-A-G.
Other names: short protein forms L78S.
Identifiers: ClinVar variation 656618 (VCV000656618.8), dbSNP rs1593087229, ClinGen allele CA387369247.

ClinVar aggregate classification (germline): Uncertain significance (1 of 4 stars; one submission).

Submission:

Labcorp Genetics (formerly Invitae), Labcorp
Classification: Uncertain significance. Last evaluated: 2024-04-29. Review status: criteria provided, single submitter. Criteria: Invitae Variant Classification Sherloc (09022015). Collection method: clinical testing. Allele origin: germline.
Comment: This sequence change replaces leucine, which is neutral and non-polar, with serine, which is neutral and polar, at codon 78 of the POLE protein (p.Leu78Ser). This variant is not present in population databases (gnomAD no frequency). This variant has not been reported in the literature in individuals affected with POLE-related conditions. ClinVar contains an entry for this variant (Variation ID: 656618). Advanced modeling of protein sequence and biophysical properties (such as structural, functional, and spatial information, amino acid conservation, physicochemical variation, residue mobility, and thermodynamic stability) performed at Invitae indicates that this missense variant is not expected to disrupt POLE protein function with a negative predictive value of 80%. In summary, the available evidence is currently insufficient to determine the role of this variant in disease. Therefore, it has been classified as a Variant of Uncertain Significance.